The following is an entry in ClinVar:

ClinVar aggregate classification (germline): Pathogenic (1 of 4 stars; one submission).

Conditions:
Nephronophthisis 16 (NPHP16). Identifiers: Orphanet 655, MedGen C3809320, MONDO:0014158, OMIM 615382.

Allele frequency attached by ClinVar (database versions not stated): TOPMed below 0.00001; gnomAD 0.00001.
gnomAD v4.1: 3 of 1,610,350 alleles (0.00019%); highest among the groups gnomAD compares: Admixed American, 0.0017%; no homozygotes.

Submission:

Labcorp Genetics (formerly Invitae), Labcorp
Classification: Pathogenic for Nephronophthisis 16. Last evaluated: 2022-05-05. Review status: criteria provided, single submitter. Criteria: Invitae Variant Classification Sherloc (09022015). Collection method: clinical testing. Allele origin: germline.
Comment: For these reasons, this variant has been classified as Pathogenic. This variant has not been reported in the literature in individuals affected with ANKS6-related conditions. This variant is not present in population databases (gnomAD no frequency). This sequence change creates a premature translational stop signal (p.Trp213*) in the ANKS6 gene. It is expected to result in an absent or disrupted protein product. Loss-of-function variants in ANKS6 are known to be pathogenic (PMID: 23793029, 25599650).

Literature cited by the submitters: PubMed 23793029; PubMed 25599650.

NM_173551.5(ANKS6):c.639G>A (p.Trp213Ter)

Gene: ANKS6 (ankyrin repeat and sterile alpha motif domain containing 6; minus strand). Cytogenetic location: 9q22.33.
Variant type: single nucleotide variant.
Coding change: c.639G>A on transcript NM_173551.5 (MANE Select); coding-DNA position 639, G replaced by A.
Protein change: p.Trp213Ter; replaces tryptophan 213 with a stop codon.
Molecular consequence: nonsense.
Genome position (GRCh38, 1-based): chr9:98,790,327, C>T on the plus strand (G>A on the coding strand, the complement: ANKS6 is on the minus strand). VCF-style: chr9-98790327-C-T. GRCh37 (hg19) VCF-style: chr9-101552609-C-T.
Other names: short protein forms W213*.
Identifiers: ClinVar variation 2183268 (VCV002183268.4), dbSNP rs1190057558, ClinGen allele CA374218737.